The following is an entry in ClinVar:

NM_020297.4(ABCC9):c.4205C>A (p.Ser1402Tyr)

Genes: ABCC9 (ATP binding cassette subfamily C member 9; minus strand), KCNJ8-AS1 (KCNJ8 antisense RNA 1; plus strand). Cytogenetic location: 12p12.1.
Variant type: single nucleotide variant.
Coding change: c.4205C>A on transcript NM_020297.4 (MANE Select); coding-DNA position 4205, C replaced by A.
Protein change: p.Ser1402Tyr; replaces serine 1402 with tyrosine.
Molecular consequence: missense variant.
Genome position (GRCh38, 1-based): chr12:21,812,055, G>T on the plus strand (C>A on the coding strand, the complement: ABCC9 is on the minus strand). VCF-style: chr12-21812055-G-T. GRCh37 (hg19) VCF-style: chr12-21964989-G-T.
Other names: c.4205C>A, p.Ser1402Tyr (NM_001377273.1, NM_005691.4); c.3338C>A, p.Ser1113Tyr (NM_001377274.1); short protein forms S1113Y, S1402Y.
Identifiers: ClinVar variation 5017313 (VCV005017313.1).

ClinVar aggregate classification (germline): Uncertain significance (1 of 4 stars; one submission).

Submission:

GeneDx
Classification: Uncertain significance. Last evaluated: 2026-03-25. Review status: criteria provided, single submitter. Criteria: GeneDx Variant Classification Process June 2021. Collection method: clinical testing. Allele origin: germline.
Comment: Not observed at significant frequency in large population cohorts (gnomAD); In silico analysis supports that this missense variant has a deleterious effect on protein structure/function; Has not been previously published as pathogenic or benign to our knowledge